The following is an entry in ClinVar:

NM_006206.6(PDGFRA):c.1090A>G (p.Thr364Ala)

Gene: PDGFRA (platelet derived growth factor receptor alpha; plus strand). Cytogenetic location: 4q12.
Variant type: single nucleotide variant.
Coding change: c.1090A>G on transcript NM_006206.6 (MANE Select); coding-DNA position 1090, A replaced by G.
Protein change: p.Thr364Ala; replaces threonine 364 with alanine.
Molecular consequence: missense variant.
Genome position (GRCh38, 1-based): chr4:54,267,710, A>G. VCF-style: chr4-54267710-A-G. GRCh37 (hg19) VCF-style: chr4-55133877-A-G.
Other names: c.1090A>G (NM_006206.4); c.1090A>G, p.Thr364Ala (NM_001347827.2, NM_001347829.2); c.1165A>G, p.Thr389Ala (NM_001347828.2); c.1129A>G, p.Thr377Ala (NM_001347830.2); short protein forms T364A, T377A, T389A.
Identifiers: ClinVar variation 1035525 (VCV001035525.10), dbSNP rs1723119453, ClinGen allele CA356891776.

ClinVar aggregate classification (germline): Uncertain significance. Review status: criteria provided, multiple submitters, no conflicts (2 of 4 stars). 2 submissions from 2 submitters: Uncertain significance (2). Last evaluated 2025-06-08.

Conditions:
Gastrointestinal stromal tumor. Also called: Gastrointestinal stromal tumor, somatic; Gastrointestinal stroma tumor. Identifiers: Orphanet 44890, MedGen C0238198, MeSH D046152, MONDO:0011719, OMIM 606764, HP:0100723.
Hereditary cancer-predisposing syndrome. Also called: Tumor predisposition; Neoplastic Syndromes, Hereditary; Hereditary neoplastic syndrome; Hereditary Cancer Syndrome. Identifiers: Orphanet 140162, MedGen C0027672, MeSH D009386, MONDO:0015356.

Submissions (2):

Ambry Genetics
Classification: Uncertain significance for Hereditary cancer-predisposing syndrome. Last evaluated: 2025-06-08. Review status: criteria provided, single submitter. Criteria: Ambry Variant Classification Scheme 2023. Collection method: clinical testing. Allele origin: germline.
Comment: The p.T364A variant (also known as c.1090A>G), located in coding exon 6 of the PDGFRA gene, results from an A to G substitution at nucleotide position 1090. The threonine at codon 364 is replaced by alanine, an amino acid with similar properties. This amino acid position is conserved. In addition, this alteration is predicted to be tolerated by in silico analysis. Based on the available evidence, the clinical significance of this variant remains unclear.

Labcorp Genetics (formerly Invitae), Labcorp
Classification: Uncertain significance for Gastrointestinal stromal tumor. Last evaluated: 2020-10-02. Review status: criteria provided, single submitter. Criteria: Invitae Variant Classification Sherloc (09022015). Collection method: clinical testing. Allele origin: germline.
Comment: This sequence change replaces threonine with alanine at codon 364 of the PDGFRA protein (p.Thr364Ala). The threonine residue is moderately conserved and there is a small physicochemical difference between threonine and alanine. In summary, the available evidence is currently insufficient to determine the role of this variant in disease. Therefore, it has been classified as a Variant of Uncertain Significance. Algorithms developed to predict the effect of missense changes on protein structure and function (SIFT, PolyPhen-2, Align-GVGD) all suggest that this variant is likely to be tolerated, but these predictions have not been confirmed by published functional studies and their clinical significance is uncertain. This variant has not been reported in the literature in individuals with PDGFRA-related conditions. This variant is not present in population databases (ExAC no frequency).